The following is an entry in ClinVar:

ClinVar aggregate classification (germline): Uncertain significance (1 of 4 stars; one submission).

Submission:

Labcorp Genetics (formerly Invitae), Labcorp
Classification: Uncertain significance. Last evaluated: 2024-05-09. Review status: criteria provided, single submitter. Criteria: Invitae Variant Classification Sherloc (09022015). Collection method: clinical testing. Allele origin: germline.
Comment: This sequence change creates a premature translational stop signal (p.Ser152Profs*22) in the NPAT gene. It is expected to result in an absent or disrupted protein product. However, the current clinical and genetic evidence is not sufficient to establish whether loss-of-function variants in NPAT cause disease. This variant is not present in population databases (gnomAD no frequency). This variant has not been reported in the literature in individuals affected with NPAT-related conditions. In summary, the available evidence is currently insufficient to determine the role of this variant in disease. Therefore, it has been classified as a Variant of Uncertain Significance.

NM_002519.3(NPAT):c.454del (p.Ser152fs)

Gene: NPAT (nuclear protein, coactivator of histone transcription; minus strand). Cytogenetic location: 11q22.3.
Variant type: Deletion.
Coding change: c.454del on transcript NM_002519.3 (MANE Select); coding-DNA position 454, one base deleted (T; older notation c.454delT).
Protein change: p.Ser152fs; shifts the reading frame from serine 152.
Molecular consequence: frameshift variant.
Genome position (GRCh38, 1-based): chr11:108,189,208, A deleted on the plus strand (T on the coding strand, the reverse complement: NPAT is on the minus strand); the first of 2 consecutive A bases (chr11:108,189,208-108,189,209); deleting either gives the same sequence. VCF-style (leftmost placement, unchanged base first): chr11-108189207-GA-G. GRCh37 (hg19) VCF-style: chr11-108059934-GA-G.
Other names: c.454del, p.Ser152fs (NM_001321307.1); short protein forms S152fs.
Identifiers: ClinVar variation 3652867 (VCV003652867.2).